The following is an entry in ClinVar:

NM_001008537.3(NEXMIF):c.2895A>G (p.Gln965=)

Gene: NEXMIF (neurite extension and migration factor; minus strand). Cytogenetic location: Xq13.3.
Variant type: single nucleotide variant.
Coding change: c.2895A>G on transcript NM_001008537.3 (MANE Select); coding-DNA position 2895, A replaced by G.
Protein change: p.Gln965=; no amino-acid change (glutamine 965 retained).
Molecular consequence: synonymous variant.
Genome position (GRCh38, 1-based): chrX:74,741,662, T>C on the plus strand (A>G on the coding strand, the complement: NEXMIF is on the minus strand). VCF-style: chrX-74741662-T-C. GRCh37 (hg19) VCF-style: chrX-73961497-T-C.
Identifiers: ClinVar variation 508324 (VCV000508324.9), dbSNP rs1556016407, ClinGen allele CA517467093.

ClinVar aggregate classification (germline): Likely benign. Review status: criteria provided, multiple submitters, no conflicts (2 of 4 stars). 2 submissions from 2 submitters: Likely benign (2). Last evaluated 2024-02-17.

Submissions (2):

Labcorp Genetics (formerly Invitae), Labcorp
Classification: Likely benign. Last evaluated: 2024-02-17. Review status: criteria provided, single submitter. Criteria: Invitae Variant Classification Sherloc (09022015). Collection method: clinical testing. Allele origin: germline.

GeneDx
Classification: Likely benign. Last evaluated: 2017-03-29. Review status: criteria provided, single submitter. Criteria: GeneDx Variant Classification (06012015). Collection method: clinical testing. Allele origin: germline. Affected: yes.
Comment: This variant is considered likely benign or benign based on one or more of the following criteria: it is a conservative change, it occurs at a poorly conserved position in the protein, it is predicted to be benign by multiple in silico algorithms, and/or has population frequency not consistent with disease.